The following is an entry in ClinVar:

NM_000554.6(CRX):c.661_*3038del (p.Tyr221fs)

Gene: CRX (cone-rod homeobox; plus strand). Cytogenetic location: 19q13.33.
Variant type: Deletion.
Coding change: c.661_*3038del on transcript NM_000554.6 (MANE Select); coding-DNA position 661 through 3038 bases downstream of the stop codon, 3,278 bases deleted.
Protein change: p.Tyr221fs; shifts the reading frame from tyrosine 221.
Molecular consequence: frameshift variant.
Genome position (GRCh38, 1-based): chr19:47,839,728-47,843,005, 3,278 bases deleted. GRCh37 (hg19): chr19:48,342,985-48,346,262.
Other names: short protein forms Y221fs.
Identifiers: ClinVar variation 939164 (VCV000939164.2), ClinGen allele CA1139666513.

ClinVar aggregate classification (germline): Pathogenic (1 of 4 stars; one submission).

Conditions:
Leber congenital amaurosis 7 (LCA7). Identifiers: Orphanet 65, MedGen C3151192, MONDO:0013449, OMIM 613829.
Cone-rod dystrophy 2 (CORD2). Also called: Cone-rod retinal dystrophy 2; CONE-ROD RETINAL DYSTROPHY. Identifiers: Orphanet 1872, MedGen C3489532, MONDO:0007362, OMIM 120970.

Submission:

Labcorp Genetics (formerly Invitae), Labcorp
Classification: Pathogenic for Cone-rod dystrophy 2; Leber congenital amaurosis 7. Last evaluated: 2019-09-07. Review status: criteria provided, single submitter. Criteria: Invitae Variant Classification Sherloc (09022015). Collection method: clinical testing. Allele origin: germline.
Comment: This sequence change results in a premature translational stop signal in the CRX gene (p.Tyr221Serfs*35). While this is not anticipated to result in nonsense mediated decay, it is expected to disrupt the last 79 amino acids of the CRX protein. This variant has not been reported in the literature in individuals with CRX-related conditions. This variant disrupts the region of the CRX protein between p.Arg41 and p.Gln256. This region has been determined to be associated with autosomal dominant CRX-related conditions (PMID: 9427255, 26682157), which suggests that variants that occur in this region are likely to be clinically significant. For these reasons, this variant has been classified as Pathogenic.

Literature cited by the submitters: PubMed 26682157 (cited by Labcorp Genetics (formerly Invitae), Labcorp); PubMed 9427255 (cited by Labcorp Genetics (formerly Invitae), Labcorp).